The following is an entry in ClinVar:

ClinVar aggregate classification (germline): Uncertain significance. Review status: criteria provided, multiple submitters, no conflicts (2 of 4 stars). 3 submissions from 3 submitters: Uncertain significance (3). Last evaluated 2025-06-04.

Conditions:
RYR1-related disorder. Also called: RYR1-related disorders; RYR1-related condition. Identifiers: MedGen CN239331.
Malignant hyperthermia, susceptibility to, 1 (MHS1). Also called: RYR1-Related Malignant Hyperthermia Susceptibility; Anesthesia related hyperthermia; Malignant hyperpyrexia; Fulminating hyperpyrexia; Pharmacogenic myopathy; Malignant hyperthermia suceptibility 1. Identifiers: Orphanet 423, MedGen C2930980, MONDO:0007783, OMIM 145600.

Allele frequency attached by ClinVar (database versions not stated): gnomAD exomes below 0.00001 and 0.00001; TOPMed 0.00002; ExAC 0.00003; gnomAD 0.00003; ESP Exome Variant Server 0.00008.
gnomAD v4.1: 13 of 1,614,090 alleles (0.00081%); highest among the groups gnomAD compares: East Asian, 0.0022%; no homozygotes.

Submissions (3):

Labcorp Genetics (formerly Invitae), Labcorp
Classification: Uncertain significance for RYR1-related disorder. Last evaluated: 2025-06-04. Review status: criteria provided, single submitter. Criteria: Invitae Variant Classification Sherloc (09022015). Collection method: clinical testing. Allele origin: germline.
Comment: This sequence change replaces arginine, which is basic and polar, with cysteine, which is neutral and slightly polar, at codon 1086 of the RYR1 protein (p.Arg1086Cys). The frequency data for this variant in the population databases is considered unreliable, as metrics indicate poor data quality at this position in the gnomAD database. This variant has not been reported in the literature in individuals affected with RYR1-related conditions. ClinVar contains an entry for this variant (Variation ID: 1310975). Invitae Evidence Modeling of protein sequence and biophysical properties (such as structural, functional, and spatial information, amino acid conservation, physicochemical variation, residue mobility, and thermodynamic stability) indicates that this missense variant is not expected to disrupt RYR1 protein function with a negative predictive value of 95%. In summary, the available evidence is currently insufficient to determine the role of this variant in disease. Therefore, it has been classified as a Variant of Uncertain Significance.

All of Us Research Program, National Institutes of Health
Classification: Uncertain significance for Malignant hyperthermia, susceptibility to, 1. Last evaluated: 2023-04-03. Review status: criteria provided, single submitter. Criteria: ACMG Guidelines, 2015. Collection method: clinical testing. Allele origin: germline. Inheritance: Autosomal dominant inheritance. Observed: 1 variant allele, 1 heterozygote.
Comment: This missense variant replaces arginine with cysteine at codon 1086 of the RYR1 protein. Computational prediction is inconclusive regarding the impact of this variant on protein structure and function (internally defined REVEL score threshold 0.5 < inconclusive < 0.7, PMID: 27666373). To our knowledge, functional studies have not been reported for this variant. This variant has not been reported in individuals affected with RYR1-related disorders in the literature. This variant has been identified in 3/282876 chromosomes in the general population by the Genome Aggregation Database (gnomAD). The available evidence is insufficient to determine the role of this variant in disease conclusively. Therefore, this variant is classified as a Variant of Uncertain Significance.

This study involves interpretation of variants in research participants for the purpose of population health screening. Participant phenotype was not available at the time of variant classification. Additional details can be found in publication PMID: 35346344, PMCID: PMC8962531

GeneDx
Classification: Uncertain significance. Last evaluated: 2022-06-03. Review status: criteria provided, single submitter. Criteria: GeneDx Variant Classification Process June 2021. Collection method: clinical testing. Allele origin: germline. Affected: yes.
Comment: Not observed at significant frequency in large population cohorts (gnomAD); In silico analysis supports that this missense variant has a deleterious effect on protein structure/function; Has not been previously published as pathogenic or benign to our knowledge; This variant is associated with the following publications: (PMID: Banks2020[Dissertation])

NM_000540.3(RYR1):c.3256C>T (p.Arg1086Cys)

Gene: RYR1 (ryanodine receptor 1; plus strand). Cytogenetic location: 19q13.2.
Variant type: single nucleotide variant.
Coding change: c.3256C>T on transcript NM_000540.3 (MANE Select); coding-DNA position 3256, C replaced by T.
Protein change: p.Arg1086Cys; replaces arginine 1086 with cysteine.
Molecular consequence: missense variant.
Genome position (GRCh38, 1-based): chr19:38,467,687, C>T. VCF-style: chr19-38467687-C-T. GRCh37 (hg19) VCF-style: chr19-38958327-C-T.
Other names: c.3256C>T, p.Arg1086Cys (NM_001042723.2); short protein forms R1086C.
Identifiers: ClinVar variation 1310975 (VCV001310975.6), dbSNP rs373618219, ClinGen allele CA064621.